The following is an entry in ClinVar:

ClinVar aggregate classification (germline): Pathogenic (1 of 4 stars; one submission).

Submission:

Labcorp Genetics (formerly Invitae), Labcorp
Classification: Pathogenic. Last evaluated: 2024-08-08. Review status: criteria provided, single submitter. Criteria: Invitae Variant Classification Sherloc (09022015). Collection method: clinical testing. Allele origin: germline.
Comment: This sequence change creates a premature translational stop signal (p.Ser347Argfs*21) in the SLC26A4 gene. It is expected to result in an absent or disrupted protein product. Loss-of-function variants in SLC26A4 are known to be pathogenic (PMID: 16283880, 25394566, 26252218, 26445815). This variant is not present in population databases (gnomAD no frequency). This variant has not been reported in the literature in individuals affected with SLC26A4-related conditions. For these reasons, this variant has been classified as Pathogenic.

Literature cited by the submitters: PubMed 16283880; PubMed 25394566; PubMed 26252218; PubMed 26445815.

NM_000441.2(SLC26A4):c.1038del (p.Ser347fs)

Gene: SLC26A4 (solute carrier family 26 member 4; plus strand). Cytogenetic location: 7q22.3.
Variant type: Deletion.
Coding change: c.1038del on transcript NM_000441.2 (MANE Select); coding-DNA position 1038, one base deleted (C; older notation c.1038delC).
Protein change: p.Ser347fs; shifts the reading frame from serine 347.
Molecular consequence: frameshift variant.
Genome position (GRCh38, 1-based): chr7:107,689,089, C deleted. VCF-style (leftmost placement, unchanged base first): chr7-107689088-TC-T. GRCh37 (hg19) VCF-style: chr7-107329533-TC-T.
Other names: short protein forms S347fs.
Identifiers: ClinVar variation 3661204 (VCV003661204.2).